The following is an entry in ClinVar:

NC_000007.13:g.(?_146471343)_(148544390_?)del

Genes: C7orf33 (chromosome 7 open reading frame 33; plus strand), CNTNAP2 (contactin associated protein 2; plus strand), CUL1 (cullin 1; plus strand), EZH2 (enhancer of zeste 2 polycomb repressive complex 2 subunit; minus strand). Cytogenetic location: 7q35-36.1.
Variant type: Deletion.
Identifiers: ClinVar variation 2425899 (VCV002425899.3).

ClinVar aggregate classification (germline): Pathogenic (1 of 4 stars; one submission).

Conditions:
Cortical dysplasia-focal epilepsy syndrome (PTHSL1). Also called: Pitt-Hopkins-like syndrome 1. Identifiers: Orphanet 163681, Orphanet 221150, MedGen C2750246, MONDO:0012400, OMIM 610042.

Submission:

Labcorp Genetics (formerly Invitae), Labcorp
Classification: Pathogenic for Cortical dysplasia-focal epilepsy syndrome. Last evaluated: 2022-02-24. Review status: criteria provided, single submitter. Criteria: Invitae Variant Classification Sherloc (09022015). Collection method: clinical testing. Allele origin: germline.
Comment: For these reasons, this variant has been classified as Pathogenic. This variant disrupts a region of the CNTNAP2 protein in which other variant(s) (Deletion (Exons 10-24)) have been determined to be pathogenic (Invitae). This suggests that this is a clinically significant region of the protein, and that variants that disrupt it are likely to be disease-causing. This variant has not been reported in the literature in individuals affected with CNTNAP2-related conditions. This variant is a gross deletion of the genomic region encompassing exon(s) 2-24 of the CNTNAP2 gene, which includes the termination codon. This deletion extends beyond the assayed region for this gene and therefore may encompass additional genes. While this deletion is not anticipated to lead to nonsense mediated decay, it is expected to alter mRNA translation or result in a truncated protein product.